The following is an entry in ClinVar:

ClinVar aggregate classification (germline): Uncertain significance. Review status: criteria provided, multiple submitters, no conflicts (2 of 4 stars). 5 submissions from 5 submitters: Uncertain significance (5). Last evaluated 2026-03-20.

Conditions:
Hereditary cancer-predisposing syndrome. Also called: Tumor predisposition; Neoplastic Syndromes, Hereditary; Hereditary Cancer Syndrome; Hereditary neoplastic syndrome. Identifiers: Orphanet 140162, MedGen C0027672, MeSH D009386, MONDO:0015356.
Ataxia-telangiectasia syndrome (AT). Also called: Ataxia-telangiectasia, complementation group D; AT, COMPLEMENTATION GROUP C; Ataxia-telangiectasia, complementation group E; Cerebello-oculocutaneous telangiectasia; Immunodeficiency with ataxia telangiectasia; Ataxia telangiectasia (A-T). Identifiers: Orphanet 100, MedGen C0004135, MONDO:0008840, OMIM 208900.

Allele frequency attached by ClinVar (database versions not stated): gnomAD exomes below 0.00001; TOPMed below 0.00001; gnomAD 0.00001.
gnomAD v4.1: 3 of 1,613,634 alleles (0.00019%); highest among the groups gnomAD compares: Non-Finnish European, 0.00025%; no homozygotes.

Submissions (5):

Women's Health and Genetics/Laboratory Corporation of America, LabCorp
Classification: Uncertain significance. Last evaluated: 2026-03-20. Review status: criteria provided, single submitter. Criteria: LabCorp Variant Classification Summary - May 2015. Collection method: clinical testing. Allele origin: germline.
Comment: Variant summary: ATM c.2655A>T (p.Leu885Phe) results in a non-conservative amino acid change in the encoded protein sequence. Algorithms developed to predict the effect of missense changes on protein structure and function are either unavailable or do not agree on the potential impact of this missense change. The variant allele was found at a frequency of 4e-06 in 251262 control chromosomes. The available data on variant occurrences in the general population are insufficient to allow any conclusion about variant significance. c.2655A>T has been observed in at least one individual with melanoma, without strong evidence of causality (example: Dalmasso_2021). This report does not provide unequivocal conclusions about association of the variant with Ataxia-telangiectasia syndrome. To our knowledge, no experimental evidence demonstrating an impact on protein function has been reported. The following publication has been ascertained in the context of this evaluation (PMID: 34262154). ClinVar contains an entry for this variant (Variation ID: 181934). Based on the evidence outlined above, the variant was classified as uncertain significance.

Labcorp Genetics (formerly Invitae), Labcorp
Classification: Uncertain significance for Ataxia-telangiectasia syndrome. Last evaluated: 2026-01-06. Review status: criteria provided, single submitter. Criteria: Invitae Variant Classification Sherloc (09022015). Collection method: clinical testing. Allele origin: germline.
Comment: This sequence change replaces leucine, which is neutral and non-polar, with phenylalanine, which is neutral and non-polar, at codon 885 of the ATM protein (p.Leu885Phe). This variant is present in population databases (rs730881351, gnomAD 0.0009%). This variant has not been reported in the literature in individuals affected with ATM-related conditions. ClinVar contains an entry for this variant (Variation ID: 181934). Invitae Evidence Modeling of protein sequence and biophysical properties (such as structural, functional, and spatial information, amino acid conservation, physicochemical variation, residue mobility, and thermodynamic stability) indicates that this missense variant is not expected to disrupt ATM protein function with a negative predictive value of 95%. In summary, the available evidence is currently insufficient to determine the role of this variant in disease. Therefore, it has been classified as a Variant of Uncertain Significance.

GeneDx
Classification: Uncertain significance. Last evaluated: 2025-12-16. Review status: criteria provided, single submitter. Criteria: GeneDx Variant Classification Process June 2021. Collection method: clinical testing. Allele origin: germline. Affected: yes.
Comment: Not observed at significant frequency in large population cohorts (gnomAD); In silico analysis suggests that this missense variant does not alter protein structure/function; Observed in an individual with a personal history of cutaneous melanoma (PMID: 34262154); This variant is associated with the following publications: (PMID: 34262154)

Color Diagnostics, LLC DBA Color Health
Classification: Uncertain significance for Hereditary cancer-predisposing syndrome. Last evaluated: 2025-10-06. Review status: criteria provided, single submitter. Criteria: ACMG Guidelines, 2015. Collection method: clinical testing. Allele origin: germline.
Comment: This missense variant replaces leucine with phenylalanine at codon 885 of the ATM protein. Computational prediction is inconclusive regarding the impact of this variant on protein structure and function. To our knowledge, functional studies have not been reported for this variant. This variant has been reported in an individual affected with melanoma (PMID: 34262154). This variant has been identified in 3/1613634 chromosomes in the general population by the Genome Aggregation Database (gnomAD). The available evidence is insufficient to determine the role of this variant in disease conclusively. Therefore, this variant is classified as a Variant of Uncertain Significance.

Ambry Genetics
Classification: Uncertain significance for Hereditary cancer-predisposing syndrome. Last evaluated: 2025-09-05. Review status: criteria provided, single submitter. Criteria: Ambry Variant Classification Scheme 2023. Collection method: clinical testing. Allele origin: germline.
Comment: The p.L885F variant (also known as c.2655A>T), located in coding exon 17 of the ATM gene, results from an A to T substitution at nucleotide position 2655. The leucine at codon 885 is replaced by phenylalanine, an amino acid with highly similar properties. This amino acid position is highly conserved in available vertebrate species. In addition, the in silico prediction for this alteration is inconclusive. Based on the available evidence, the clinical significance of this variant remains unclear.

Literature cited by the submitters: PubMed 34262154 (cited by Women's Health and Genetics/Laboratory Corporation of America, LabCorp and Color Diagnostics, LLC DBA Color Health).

NM_000051.4(ATM):c.2655A>T (p.Leu885Phe)

Gene: ATM (ATM serine/threonine kinase; plus strand). Cytogenetic location: 11q22.3.
Variant type: single nucleotide variant.
Coding change: c.2655A>T on transcript NM_000051.4 (MANE Select); coding-DNA position 2655, A replaced by T.
Protein change: p.Leu885Phe; replaces leucine 885 with phenylalanine.
Molecular consequence: missense variant.
Genome position (GRCh38, 1-based): chr11:108,268,426, A>T. VCF-style: chr11-108268426-A-T. GRCh37 (hg19) VCF-style: chr11-108139153-A-T.
Other names: p.L885F:TTA>TTT; c.2655A>T, p.Leu885Phe (NM_001351834.2); short protein forms L885F.
Identifiers: ClinVar variation 181934 (VCV000181934.19), dbSNP rs730881351, ClinGen allele CA298182.
Genomic context (GRCh38, chr11:108,268,426, plus strand): 5'-GTTGTGCCCTTCTCTTAGTGTTAATGAGTGCTTTTTATTTTTAGGTGCCATTAATCCTTT[A>T]GCTGAAGAATATCTGTCAAAGCAAGATCTACTTTTCTTAGACATGCTCAAGTTCTTGTGT-3'
Protein context (NP_000042.3, residues 875-895): SQSTIGAINP[Leu885Phe]AEEYLSKQDL